The following is an entry in ClinVar:

NM_007294.4(BRCA1):c.2240C>T (p.Pro747Leu)

Gene: BRCA1 (BRCA1 DNA repair associated; minus strand). Cytogenetic location: 17q21.31.
Variant type: single nucleotide variant.
Coding change: c.2240C>T on transcript NM_007294.4 (MANE Select); coding-DNA position 2240, C replaced by T.
Protein change: p.Pro747Leu; replaces proline 747 with leucine.
Molecular consequence: missense variant. On other transcripts: intron variant (137).
Genome position (GRCh38, 1-based): chr17:43,093,291, G>A on the plus strand (C>T on the coding strand, the complement: BRCA1 is on the minus strand). VCF-style: chr17-43093291-G-A. GRCh37 (hg19) VCF-style: chr17-41245308-G-A.
Other names: c.2027C>T, p.Pro676Leu (NM_001407571.1, NM_001407853.1, NM_001407894.1 and 9 more transcripts); c.2240C>T, p.Pro747Leu (NM_001407581.1, NM_001407582.1, NM_001407583.1 and 30 more transcripts); c.2237C>T, p.Pro746Leu (NM_001407587.1, NM_001407590.1, NM_001407591.1 and 22 more transcripts); c.2231C>T, p.Pro744Leu (NM_001407646.1, NM_001407647.1); c.2117C>T, p.Pro706Leu (NM_001407648.1, NM_001407664.1, NM_001407665.1 and 19 more transcripts); c.2114C>T, p.Pro705Leu (NM_001407649.1, NM_001407670.1, NM_001407671.1 and 11 more transcripts); c.2162C>T, p.Pro721Leu (NM_001407653.1, NM_001407654.1, NM_001407655.1 and 4 more transcripts); c.2159C>T, p.Pro720Leu (NM_001407659.1, NM_001407660.1, NM_001407661.1 and 1 more transcripts); and 41 more; short protein forms P620L, P679L, P680L, P451L, P579L, P635L, P636L, P676L.
Identifiers: ClinVar variation 1788275 (VCV001788275.4), dbSNP rs2154388210, ClinGen allele CA10597517.

ClinVar aggregate classification (germline): Conflicting classifications of pathogenicity. Review status: criteria provided, conflicting classifications (1 of 4 stars). 2 submissions from 2 submitters: Uncertain significance (1); Likely benign (1). Last evaluated 2023-03-23.

Conditions:
Hereditary cancer-predisposing syndrome. Also called: Neoplastic Syndromes, Hereditary; Tumor predisposition; Hereditary Cancer Syndrome; Hereditary neoplastic syndrome. Identifiers: Orphanet 140162, MedGen C0027672, MeSH D009386, MONDO:0015356.

Submissions (2):

University of Washington Department of Laboratory Medicine, University of Washington
Classification: Likely benign for Hereditary cancer-predisposing syndrome. Last evaluated: 2023-03-23. Review status: criteria provided, single submitter. Criteria: Dines et al. (Genet Med. 2020). Collection method: curation. Allele origin: germline.
Comment: Missense variant in a coldspot region where missense variants are very unlikely to be pathogenic (PMID:31911673).

BRCA1 coldspot (exon 11 using historical exon numbering). Reclassification based on statistical prior probability

Ambry Genetics
Classification: Uncertain significance for Hereditary cancer-predisposing syndrome. Last evaluated: 2020-03-26. Review status: criteria provided, single submitter. Criteria: Ambry Variant Classification Scheme 2023. Collection method: clinical testing. Allele origin: germline.
Comment: The p.P747L variant (also known as c.2240C>T), located in coding exon 9 of the BRCA1 gene, results from a C to T substitution at nucleotide position 2240. The proline at codon 747 is replaced by leucine, an amino acid with similar properties. This amino acid position is not well conserved in available vertebrate species. In addition, this alteration is predicted to be tolerated by in silico analysis. Since supporting evidence is limited at this time, the clinical significance of this alteration remains unclear.